The following is an entry in ClinVar:

NM_170743.4(IFNLR1):c.93G>A (p.Thr31=)

Gene: IFNLR1 (interferon lambda receptor 1; minus strand). Cytogenetic location: 1p36.11.
Variant type: single nucleotide variant.
Coding change: c.93G>A on transcript NM_170743.4 (MANE Select); coding-DNA position 93, G replaced by A.
Protein change: p.Thr31=; no amino-acid change (threonine 31 retained).
Molecular consequence: synonymous variant.
Genome position (GRCh38, 1-based): chr1:24,180,820, C>T on the plus strand (G>A on the coding strand, the complement: IFNLR1 is on the minus strand). VCF-style: chr1-24180820-C-T. GRCh37 (hg19) VCF-style: chr1-24507310-C-T.
Other names: c.93G>A, p.Thr31= (NM_173064.3, NM_173065.3).
Identifiers: ClinVar variation 3054649 (VCV003054649.2), dbSNP rs200988201, ClinGen allele CA689718.

ClinVar aggregate classification (germline): Likely benign (0 of 4 stars; one submission).

Conditions:
IFNLR1-related disorder. Also called: IFNLR1-related condition.

Allele frequency attached by ClinVar (database versions not stated): gnomAD 0.00026; ExAC 0.00050; 1000 Genomes Project 0.00080; 1000 Genomes Project 30x 0.00094.
gnomAD v4.1: 567 of 1,613,876 alleles (0.035%); highest among the groups gnomAD compares: East Asian, 0.71%; no homozygotes.

Submission:

PreventionGenetics, part of Exact Sciences
Classification: Likely benign for IFNLR1-related condition. Last evaluated: 2020-08-31. Review status: no assertion criteria provided. Collection method: clinical testing. Allele origin: germline.
Comment: This variant is classified as likely benign based on ACMG/AMP sequence variant interpretation guidelines (Richards et al. 2015 PMID: 25741868, with internal and published modifications).